The following is an entry in ClinVar:

ClinVar aggregate classification (germline): Uncertain significance. Review status: criteria provided, multiple submitters, no conflicts (2 of 4 stars). 2 submissions from 2 submitters: Uncertain significance (2). Last evaluated 2024-11-08.

Conditions:
Naxos disease (NXD). Also called: CARDIOMYOPATHY, ARRHYTHMOGENIC RIGHT VENTRICULAR, WITH SKIN, HAIR, AND NAIL ABNORMALITIES; WOOLLY HAIR, PALMOPLANTAR KERATODERMA, AND CARDIAC ABNORMALITIES; KERATOSIS PALMOPLANTARIS WITH ARRHYTHMOGENIC CARDIOMYOPATHY; MAL DE NAXOS; PALMOPLANTAR KERATODERMA WITH ARRHYTHMOGENIC RIGHT VENTRICULAR CARDIOMYOPATHY AND WOOLLY HAIR. Identifiers: Orphanet 34217, MedGen C1832600, MONDO:0011017, OMIM 601214.
Arrhythmogenic right ventricular dysplasia 12. Also called: ARRHYTHMOGENIC RIGHT VENTRICULAR DYSPLASIA, FAMILIAL, 12. Identifiers: MedGen C1969081, MONDO:0012684, OMIM 611528.

Allele frequency attached by ClinVar (database versions not stated): gnomAD exomes below 0.00001; TOPMed below 0.00001; ExAC 0.00001.
gnomAD v4.1: 1 of 1,613,094 alleles (0.000062%); highest among the groups gnomAD compares: Non-Finnish European, 0.000085%; no homozygotes.

Submissions (2):

Blueprint Genetics
Classification: Uncertain significance. Last evaluated: 2024-11-08. Review status: criteria provided, single submitter. Criteria: ACMG Guidelines, 2015. Collection method: clinical testing. Allele origin: germline.

Labcorp Genetics (formerly Invitae), Labcorp
Classification: Uncertain significance for Arrhythmogenic right ventricular dysplasia 12; Naxos disease. Last evaluated: 2021-09-01. Review status: criteria provided, single submitter. Criteria: Invitae Variant Classification Sherloc (09022015). Collection method: clinical testing. Allele origin: germline.
Comment: This sequence change replaces lysine with glutamine at codon 499 of the JUP protein (p.Lys499Gln). The lysine residue is highly conserved and there is a small physicochemical difference between lysine and glutamine. This variant is present in population databases (rs782395614, ExAC 0.002%). This variant has not been reported in the literature in individuals affected with JUP-related conditions. Algorithms developed to predict the effect of missense changes on protein structure and function are either unavailable or do not agree on the potential impact of this missense change (SIFT: "Deleterious"; PolyPhen-2: "Probably Damaging"; Align-GVGD: "Class C0"). In summary, the available evidence is currently insufficient to determine the role of this variant in disease. Therefore, it has been classified as a Variant of Uncertain Significance.

NM_002230.4(JUP):c.1495A>C (p.Lys499Gln)

Gene: JUP (junction plakoglobin; minus strand). Cytogenetic location: 17q21.2.
Variant type: single nucleotide variant.
Coding change: c.1495A>C on transcript NM_002230.4 (MANE Select); coding-DNA position 1495, A replaced by C.
Protein change: p.Lys499Gln; replaces lysine 499 with glutamine.
Molecular consequence: missense variant.
Genome position (GRCh38, 1-based): chr17:41,762,985, T>G on the plus strand (A>C on the coding strand, the complement: JUP is on the minus strand). VCF-style: chr17-41762985-T-G. GRCh37 (hg19) VCF-style: chr17-39919237-T-G.
Other names: c.1495A>C, p.Lys499Gln (NM_001352773.2, NM_001352774.2, NM_001352775.2 and 3 more transcripts); short protein forms K499Q.
Identifiers: ClinVar variation 1023614 (VCV001023614.7), dbSNP rs782395614, ClinGen allele CA8565205.